The following is an entry in ClinVar:

NM_001378609.3(OTOGL):c.1940G>A (p.Trp647Ter)

Gene: OTOGL (otogelin like; plus strand). Cytogenetic location: 12q21.31.
Variant type: single nucleotide variant.
Coding change: c.1940G>A on transcript NM_001378609.3 (MANE Select); coding-DNA position 1940, G replaced by A.
Protein change: p.Trp647Ter; replaces tryptophan 647 with a stop codon.
Molecular consequence: nonsense.
Genome position (GRCh38, 1-based): chr12:80,262,019, G>A. VCF-style: chr12-80262019-G-A. GRCh37 (hg19) VCF-style: chr12-80655799-G-A.
Other names: c.1940G>A, p.Trp647Ter (NM_001368062.3, NM_001378610.3, NM_173591.7); short protein forms W638*, W647*.
Identifiers: ClinVar variation 498660 (VCV000498660.24), dbSNP rs377708973, ClinGen allele CA6700627.
Genomic context (GRCh38, chr12:80,262,019, plus strand): 5'-TGCTTTCTAGTTCTCCATCAGGCATGATAGAAGGTACACCACAACTTCACGCAAATGCGT[G>A]GAGAGTTTCTTCTACCTGTTTTGCACCTGTTCATGTCCCAGTGGTGGACCCCTGTAACAT-3'

ClinVar aggregate classification (germline): Pathogenic/Likely pathogenic. Review status: criteria provided, multiple submitters, no conflicts (2 of 4 stars). 8 submissions from 8 submitters: Pathogenic (6); Likely pathogenic (2). Last evaluated 2026-06-10.

Conditions:
OTOGL-related disorder. Also called: OTOGL-related condition.
Inborn genetic diseases. Identifiers: MedGen C0950123, MeSH D030342.
Rare genetic deafness. Identifiers: Orphanet 96210, MedGen C5680250.
Autosomal recessive nonsyndromic hearing loss 84B. Also called: Deafness, autosomal recessive 84b. Identifiers: Orphanet 90636, MedGen C3554159, MONDO:0013984, OMIM 614944.

Allele frequency attached by ClinVar (database versions not stated): ExAC 0.00007; gnomAD 0.00007 and 0.00009; ESP Exome Variant Server 0.00008; gnomAD exomes 0.00009 and 0.00010; TOPMed 0.00011.
gnomAD v4.1: 154 of 1,612,996 alleles (0.0095%); highest among the groups gnomAD compares: Admixed American, 0.028%; 1 homozygote.

Submissions (8):

PreventionGenetics, part of Exact Sciences
Classification: Likely pathogenic for OTOGL-related condition. Last evaluated: 2026-06-10. Review status: criteria provided, single submitter. Criteria: ACMG Guidelines, 2015. Collection method: clinical testing. Allele origin: germline.
Comment: The OTOGL c.1913G>A variant is predicted to result in premature protein termination (p.Trp638*). To our knowledge, this variant has not been reported in the literature in a patient with OTOGL related disorder. This variant is reported in 0.020% of alleles in individuals of Latino descent in gnomAD. Nonsense variants in OTOGL are expected to be pathogenic. This variant is interpreted as likely pathogenic.

Ambry Genetics
Classification: Pathogenic for Inborn genetic diseases. Last evaluated: 2026-01-09. Review status: criteria provided, single submitter. Criteria: Ambry Variant Classification Scheme 2023. Collection method: clinical testing. Allele origin: germline.
Comment: The c.1913G>A (p.W638*) alteration, located in exon 18 (coding exon 18) of the OTOGL gene, consists of a G to A substitution at nucleotide position 1913. This changes the amino acid from a tryptophan (W) to a stop codon at amino acid position 638. This alteration is expected to result in loss of function by premature protein truncation or nonsense-mediated mRNA decay. Based on data from gnomAD, the A allele has an overall frequency of 0.009% (25/277788) total alleles studied. The highest observed frequency was 0.042% (3/7118) of Other alleles. Based on the available evidence, this alteration is classified as pathogenic.

Labcorp Genetics (formerly Invitae), Labcorp
Classification: Pathogenic. Last evaluated: 2025-10-21. Review status: criteria provided, single submitter. Criteria: Invitae Variant Classification Sherloc (09022015). Collection method: clinical testing. Allele origin: germline.
Comment: This sequence change creates a premature translational stop signal (p.Trp638*) in the OTOGL gene. It is expected to result in an absent or disrupted protein product. Loss-of-function variants in OTOGL are known to be pathogenic (PMID: 23122586). This variant is present in population databases (rs377708973, gnomAD 0.02%). This variant has not been reported in the literature in individuals affected with OTOGL-related conditions. ClinVar contains an entry for this variant (Variation ID: 498660). For these reasons, this variant has been classified as Pathogenic.

GeneDx
Classification: Pathogenic. Last evaluated: 2025-04-29. Review status: criteria provided, single submitter. Criteria: GeneDx Variant Classification Process June 2021. Collection method: clinical testing. Allele origin: germline. Affected: yes.
Comment: Nonsense variant predicted to result in protein truncation or nonsense mediated decay in a gene for which loss of function is a known mechanism of disease; Reported by 2 other laboratories in ClinVar as pathogenic, observed in at least one individual with hearing loss and a second nonsense variant in OTOGL (phase unknown); Has not been previously published as pathogenic or benign to our knowledge; This variant is associated with the following publications: (PMID: 36147510, 40004452)

Laboratorio de Genetica e Diagnostico Molecular, Hospital Israelita Albert Einstein
Classification: Likely pathogenic. Last evaluated: 2021-04-13. Review status: criteria provided, single submitter. Criteria: ACMG Guidelines, 2015. Collection method: clinical testing. Allele origin: germline. Affected: yes.
Comment: ACMG classification criteria: PVS1, PM2

Laboratory for Molecular Medicine, Mass General Brigham Personalized Medicine
Classification: Pathogenic for Rare genetic deafness. Last evaluated: 2018-03-01. Review status: criteria provided, single submitter. Criteria: LMM Criteria. Collection method: clinical testing. Allele origin: germline. Inheritance: Autosomal recessive inheritance. Observed: 1 variant allele.
Comment: It has also been identified in 8/34256 Latino chromosomes by the Gen ome Aggregation Database (gnomAD; dbSNP rs377 708973). Although this variant has been seen in the general population, its freq uency is low enough to be consistent with a recessive carrier frequency. This no nsense variant leads to a premature termination codon at position 638, which is predicted to lead to a truncated or absent protein. Loss of function of the OTOG L gene is an established disease mechanism in autosomal recessive hearing loss. In summary, this variant meets our criteria to be classified as pathogenic for h earing loss in an autosomal recessive manner. ACMG/AMP Criteria applied: PVS1; P M2_Supporting; PM3_Supporting.

Eurofins Ntd Llc (ga)
Classification: Pathogenic. Last evaluated: 2016-12-08. Review status: criteria provided, single submitter. Criteria: EGL Classification Definitions 2015. Collection method: clinical testing. Allele origin: germline. Observed: 1 variant allele, 1 heterozygote.

Clinical Genetics Service, Universitary Hospital 12 de Octubre
Classification: Pathogenic for Autosomal recessive nonsyndromic hearing loss 84B. Review status: criteria provided, single submitter. Criteria: ACMG Guidelines, 2015. Collection method: clinical testing. Allele origin: germline. Affected: yes.

Literature cited by the submitters: PubMed 23122586 (cited by Labcorp Genetics (formerly Invitae), Labcorp).